The following is an entry in ClinVar:

NM_000256.3(MYBPC3):c.1521del (p.Gln508fs)

Gene: MYBPC3 (myosin binding protein C3; minus strand). Cytogenetic location: 11p11.2.
Variant type: Deletion.
Coding change: c.1521del on transcript NM_000256.3 (MANE Select); coding-DNA position 1521, one base deleted (G; older notation c.1521delG).
Protein change: p.Gln508fs; shifts the reading frame from glutamine 508.
Molecular consequence: frameshift variant.
Genome position (GRCh38, 1-based): chr11:47,342,681, C deleted on the plus strand (G on the coding strand, the reverse complement: MYBPC3 is on the minus strand); the first of 3 consecutive C bases (chr11:47,342,681-47,342,683); deleting any one gives the same sequence. VCF-style (leftmost placement, unchanged base first): chr11-47342680-GC-G. GRCh37 (hg19) VCF-style: chr11-47364231-GC-G.
Other names: c.1521del, p.Gln508fs (LRG_386t1); c.1521delG (NM_000256.3); short protein forms Q508fs.
Identifiers: ClinVar variation 545946 (VCV000545946.2), dbSNP rs1555122177, ClinGen allele CA658821845.

ClinVar aggregate classification (germline): Pathogenic (1 of 4 stars; one submission).

Submission:

GeneDx
Classification: Pathogenic. Last evaluated: 2018-05-16. Review status: criteria provided, single submitter. Criteria: GeneDx Variant Classification (06012015). Collection method: clinical testing. Allele origin: germline. Affected: yes.
Comment: Although the c.1521delG pathogenic variant in the MYBPC3 gene has not been reported to our knowledge, this variant causes a shift in reading frame starting at codon glutamine 508, changing it to an arginine, and creating a premature stop codon at position 5 of the new reading frame, denoted p.Gln508ArgfsX5. This pathogenic variant is expected to result in either an abnormal, truncated protein product or loss of protein from this allele through nonsense-mediated mRNA decay. Multiple other frameshift variants in the MYBPC3 gene have been reported in the Human Gene Mutation Database in association with cardiomyopathy (Stenson et al., 2014), indicating that loss of function is a mechanism of disease for this gene. Furthermore, the c.1521delG variant has not been observed in large population cohorts (Lek et al., 2016).